The following is an entry in ClinVar:

ClinVar aggregate classification (germline): Pathogenic. Review status: criteria provided, multiple submitters, no conflicts (2 of 4 stars). 4 submissions from 4 submitters: Pathogenic (3). 1 of the submissions does not count toward it. Last evaluated 2024-10-04.

Conditions:
Porencephaly-microcephaly-bilateral congenital cataract syndrome. Identifiers: Orphanet 306547, MedGen C3151000, MONDO:0013394, OMIM 613730.

Allele frequency attached by ClinVar (database versions not stated): ExAC 0.00001; gnomAD exomes below 0.00001.

Submissions (4):

Dubai Health Genomic Medicine Center, Dubai Health
Classification: Pathogenic for Hemorrhagic destruction of the brain, subependymal calcification, and cataracts. Last evaluated: 2024-10-04. Review status: criteria provided, single submitter. Criteria: ACMG Guidelines, 2015. Collection method: research. Allele origin: germline. Affected: yes.
Comment: PVS1,PS3,PM2

Genomic Medicine Center of Excellence, King Faisal Specialist Hospital and Research Centre
Classification: Pathogenic for Porencephaly-microcephaly-bilateral congenital cataract syndrome. Last evaluated: 2024-03-25. Review status: criteria provided, single submitter. Criteria: ACMG Guidelines, 2015. Collection method: clinical testing. Allele origin: germline.

CENTOGENE GmbH and LLC - Guiding Precision Medicine
Classification: Pathogenic for Porencephaly-microcephaly-bilateral congenital cataract syndrome. Review status: criteria provided, single submitter. Criteria: ACMG Guidelines, 2015. Collection method: clinical testing. Allele origin: germline. Affected: yes.

OMIM
Classification: Pathogenic for HEMORRHAGIC DESTRUCTION OF THE BRAIN, SUBEPENDYMAL CALCIFICATION, AND CATARACTS. Last evaluated: 2010-12-10. Review status: no assertion criteria provided. Collection method: literature only. Allele origin: germline. Not counted in ClinVar's aggregate classification.

Literature cited by the submitters: PubMed 32860008 (cited by CENTOGENE GmbH and LLC - Guiding Precision Medicine); PubMed 21109224 (cited by OMIM).

NM_032801.5(JAM3):c.612+1G>T

Gene: JAM3 (junctional adhesion molecule 3; plus strand). Cytogenetic location: 11q25.
Variant type: single nucleotide variant.
Coding change: c.612+1G>T on transcript NM_032801.5 (MANE Select); the canonical splice donor site of the intron after coding-DNA position 612, G replaced by T.
Molecular consequence: splice donor variant.
Genome position (GRCh38, 1-based): chr11:134,144,995, G>T. VCF-style: chr11-134144995-G-T. GRCh37 (hg19) VCF-style: chr11-134014890-G-T.
Other names: IVS5DS, G-T, +1; c.459+1G>T (NM_001205329.2).
Identifiers: ClinVar variation 30607 (VCV000030607.5), dbSNP rs761700427, ClinGen allele CA6370098.